The following continues an entry in ClinVar:

NM_000053.4(ATP7B):c.3053C>T (p.Ala1018Val)

Gene: ATP7B. ClinVar aggregate classification (germline): Pathogenic/Likely pathogenic. Pathogenic (10); Likely pathogenic (4).

Submissions 8 to 16 of 16:

Fulgent Genetics
Classification: Likely pathogenic for Wilson disease. Last evaluated: 2024-03-21. Review status: criteria provided, single submitter. Criteria: ACMG Guidelines, 2015. Collection method: clinical testing. Allele origin: germline.

Baylor Genetics
Classification: Likely pathogenic for Wilson disease. Last evaluated: 2024-03-17. Review status: criteria provided, single submitter. Criteria: ACMG Guidelines, 2015. Collection method: clinical testing. Allele origin: unknown.

Blueprint Genetics
Classification: Pathogenic for ATP7B-related disorders. Last evaluated: 2024-01-15. Review status: criteria provided, single submitter. Criteria: ACMG Guidelines, 2015. Collection method: clinical testing. Allele origin: germline. Affected: yes. Observed: 5 variant alleles.

Women's Health and Genetics/Laboratory Corporation of America, LabCorp
Classification: Pathogenic for Wilson disease. Last evaluated: 2023-01-16. Review status: criteria provided, single submitter. Criteria: LabCorp Variant Classification Summary - May 2015. Collection method: clinical testing. Allele origin: germline.
Comment: Variant summary: ATP7B c.3053C>T (p.Ala1018Val) results in a non-conservative amino acid change located in the P-type ATPase, haloacid dehalogenase domain (IPR044492) of the encoded protein sequence. Four of five in-silico tools predict a damaging effect of the variant on protein function. The variant allele was found at a frequency of 5.8e-05 in 205324 control chromosomes. This frequency is not significantly higher than expected for a pathogenic variant in ATP7B causing Wilson Disease (5.8e-05 vs 0.0054). c.3053C>T has been reported in the literature in multiple individuals affected with Wilson Disease (Loudianos_1998, Vrabelova_2005, Dong_2016, Singh_2019, Couchonnal_2021, etc.). These data indicate that the variant is very likely to be associated with disease. Four clinical diagnostic laboratories have submitted clinical-significance assessments for this variant to ClinVar after 2014 without evidence for independent evaluation. The 4 laboratories classified the variant as likely pathogenic (n=2), or pathogenic (n=2). Based on the evidence outlined above, the variant was classified as pathogenic.

Genome-Nilou Lab
Classification: Pathogenic for Wilson disease. Last evaluated: 2021-08-10. Review status: criteria provided, single submitter. Criteria: ACMG Guidelines, 2015. Collection method: clinical testing. Allele origin: germline. Affected: no.

GeneDx
Classification: Likely pathogenic. Last evaluated: 2021-01-04. Review status: criteria provided, single submitter. Criteria: GeneDx Variant Classification Process June 2021. Collection method: clinical testing. Allele origin: germline. Affected: yes.
Comment: Reported in multiple individuals with Wilson disease with no information provided regarding the presence of a second ATP7B variant (Loudianos et al., 1998; Loudianos et al., 1999; Vrabelova et al., 2005; Lepori et al., 2007; Zappu et al., 2008; Mak et al., 2008; Chen et al., 2019); Not observed at a significant frequency in large population cohorts (Lek et al., 2016); In silico analysis supports that this missense variant has a deleterious effect on protein structure/function; This variant is associated with the following publications: (PMID: 30275481, 31246682, 30655162, 17949296, 22692182, 17154398, 18034201, 23486543, 18728530, 15967699, 10502776, 9671269, 30556376, 30884209)

Juno Genomics, Hangzhou Juno Genomics, Inc
Classification: Pathogenic for Wilson disease. Review status: criteria provided, single submitter. Criteria: ACMG Guidelines, 2015. Collection method: clinical testing. Allele origin: germline.
Comment: Absent from controls (or at extremely low frequency if recessive) in Genome Aggregation Database.;Multiple lines of computational evidence support a deleterious effect on the gene or gene product.;For recessive disorders, detected in trans with a pathogenic variant.;Patient's phenotype or family history is highly specific for a disease with a single genetic etiology.

Counsyl
Classification: Likely pathogenic for Wilson's disease. Last evaluated: 2014-03-17. Review status: no assertion criteria provided. Collection method: literature only. Allele origin: unknown. Inheritance: Autosomal recessive inheritance. Not counted in ClinVar's aggregate classification.

Chongqing Key Laboratory of Child Rare Diseases in Infection and Immunity, Children’s Hospital of Chongqing Medical University
Classification: Uncertain significance for Wilson disease. Last evaluated: 2024-01-01. Review status: flagged submission. Criteria: ACMG Guidelines, 2015. Collection method: clinical testing. Allele origin: germline. Inheritance: Autosomal recessive inheritance. Affected: yes. Not counted in ClinVar's aggregate classification.
Comment: Classified as Uncertain significance according to the ACMG/AMP 2015 guidelines (PMID:25741868). The classification was based on the available submitted evidence for Wilson disease (OMIM:277900), including clinical-testing observations, variant consequence/protein annotation, and published or ClinVar evidence where available. Supporting information considered: variant annotation: p.Ala1018Val; Missense; Protein domain: P-domain-enriched; submitted notation: NM_000053.4:c.3053C>T (p.Ala1018Val); source variant type: Missense; source domain: P-domain-enriched; allele count n=230: 2.
ClinVar note: Reason: Outlier claim with insufficient supporting evidence

Literature cited by the submitters: PubMed 17154398 (cited by 4 submitters); PubMed 30884209 (cited by 3 submitters); PubMed 31059521 (cited by 5 submitters); PubMed 35220961 (cited by Natera, Inc.); PubMed 9671269 (cited by 4 submitters); PubMed 10502776 (cited by 3 submitters); PubMed 15967699 (cited by 4 submitters); PubMed 17949296 (cited by 3 submitters); PubMed 18034201 (cited by 3 submitters); PubMed 22677543 (cited by All of Us Research Program, National Institutes of Health and Color Diagnostics, LLC DBA Color Health); PubMed 24146181 (cited by All of Us Research Program, National Institutes of Health and Color Diagnostics, LLC DBA Color Health); PubMed 24718822 (cited by All of Us Research Program, National Institutes of Health and Color Diagnostics, LLC DBA Color Health); PubMed 27022412 (cited by 3 submitters); PubMed 33640437 (cited by All of Us Research Program, National Institutes of Health and Color Diagnostics, LLC DBA Color Health); PubMed 34400371 (cited by 3 submitters); PubMed 35245129 (cited by All of Us Research Program, National Institutes of Health and Color Diagnostics, LLC DBA Color Health); PubMed 35535059 (cited by All of Us Research Program, National Institutes of Health and Color Diagnostics, LLC DBA Color Health); PubMed 37157876 (cited by All of Us Research Program, National Institutes of Health and Color Diagnostics, LLC DBA Color Health); PubMed 18728530 (cited by Counsyl); PubMed 23486543 (cited by Counsyl); PubMed 22692182 (cited by Counsyl).